The following is an entry in ClinVar:

NM_012111.3(AHSA1):c.691-6dup

Gene: AHSA1 (activator of HSP90 ATPase activity 1; plus strand). Cytogenetic location: 14q24.3.
Variant type: Duplication.
Coding change: c.691-6dup on transcript NM_012111.3 (MANE Select); 6 bases into the intron before coding-DNA position 691, one base duplicated (C; older notation c.691-6dupC).
Molecular consequence: intron variant.
Genome position (GRCh38, 1-based): chr14:77,468,077, C duplicated; the last of 3 consecutive C bases (chr14:77,468,075-77,468,077); duplicating any one gives the same sequence. VCF-style (leftmost placement, unchanged base first): chr14-77468074-T-TC. GRCh37 (hg19) VCF-style: chr14-77934417-T-TC.
Other names: p.?; c.286-6dup (NM_001321441.2).
Identifiers: ClinVar variation 4683918 (VCV004683918.1).

ClinVar aggregate classification (germline): Likely benign (1 of 4 stars; one submission).

Submission:

Mayo Clinic Laboratories, Mayo Clinic
Classification: Likely benign. Last evaluated: 2025-10-19. Review status: criteria provided, single submitter. Criteria: ACMG Guidelines, 2015. Collection method: clinical testing. Allele origin: germline. Observed: 1 variant allele.
Comment: BP4, BP7